The following is an entry in ClinVar:

NM_020800.3(IFT80):c.869A>G (p.Asn290Ser)

Genes: IFT80 (intraflagellar transport 80; minus strand), TRIM59-IFT80 (TRIM59-IFT80 readthrough (NMD candidate); minus strand). Cytogenetic location: 3q25.33.
Variant type: single nucleotide variant.
Coding change: c.869A>G on transcript NM_020800.3 (MANE Select); coding-DNA position 869, A replaced by G.
Protein change: p.Asn290Ser; replaces asparagine 290 with serine.
Molecular consequence: missense variant. On other transcripts: non-coding transcript variant (3).
Genome position (GRCh38, 1-based): chr3:160,319,848, T>C on the plus strand (A>G on the coding strand, the complement: IFT80 is on the minus strand). VCF-style: chr3-160319848-T-C. GRCh37 (hg19) VCF-style: chr3-160037636-T-C.
Other names: c.458A>G, p.Asn153Ser (NM_001190241.2, NM_001190242.2); short protein forms N290S, N153S.
Identifiers: ClinVar variation 202194 (VCV000202194.14), dbSNP rs138081429, ClinGen allele CA203856.
Genomic context (GRCh38, chr3:160,319,848, plus strand): 5'-ACTTGAAAATTTTTCCACTCCCAATGTTGTTCCACCACATGTGCAAAAACGACATGTCCA[T>C]TTCCACAGGCTCCAGCAATCTGAGTGCCATCGATAGACCATGCAATATTAAATATGCTGC-3'
Protein context (NP_065851.1, residues 280-300): DGTQIAGACG[Asn290Ser]GHVVFAHVVE

ClinVar aggregate classification (germline): Uncertain significance. Review status: criteria provided, multiple submitters, no conflicts (2 of 4 stars). 6 submissions from 6 submitters: Uncertain significance (5). 1 of the submissions does not count toward it. Last evaluated 2025-12-24.

Conditions:
Jeune thoracic dystrophy. Also called: Short-rib thoracic dysplasia; Jeune syndrome; Infantile thoracic dystrophy; Thoracic pelvic phalangeal dystrophy; Jeune's syndrome; Chondroectodermal dysplasia-like syndrome. Identifiers: Orphanet 474, MedGen C0265275, MONDO:0018770.
Asphyxiating thoracic dystrophy 2 (SRTD2). Also called: SHORT-RIB THORACIC DYSPLASIA 2 WITH OR WITHOUT POLYDACTYLY; SHORT-RIB THORACIC DYSPLASIA 2 WITH POLYDACTYLY; SHORT-RIB THORACIC DYSPLASIA 2 WITHOUT POLYDACTYLY. Identifiers: Orphanet 474, MedGen C1970005, MONDO:0012644, OMIM 611263.

Allele frequency attached by ClinVar (database versions not stated): gnomAD exomes 0.00009 and 0.00015; gnomAD 0.00011 and 0.00014; ExAC 0.00013; ESP Exome Variant Server 0.00015; TOPMed 0.00019.
gnomAD v4.1: 159 of 1,612,908 alleles (0.0099%); highest among the groups gnomAD compares: Middle Eastern, 0.099%; no homozygotes.

Submissions (6):

Labcorp Genetics (formerly Invitae), Labcorp
Classification: Uncertain significance for Jeune thoracic dystrophy. Last evaluated: 2025-12-24. Review status: criteria provided, single submitter. Criteria: Invitae Variant Classification Sherloc (09022015). Collection method: clinical testing. Allele origin: germline.
Comment: This sequence change replaces asparagine, which is neutral and polar, with serine, which is neutral and polar, at codon 290 of the IFT80 protein (p.Asn290Ser). This variant is present in population databases (rs138081429, gnomAD 0.2%). This variant has not been reported in the literature in individuals affected with IFT80-related conditions. ClinVar contains an entry for this variant (Variation ID: 202194). Invitae Evidence Modeling of protein sequence and biophysical properties (such as structural, functional, and spatial information, amino acid conservation, physicochemical variation, residue mobility, and thermodynamic stability) has been performed for this missense variant. However, the output from this modeling did not meet the statistical confidence thresholds required to predict the impact of this variant on IFT80 protein function. In summary, the available evidence is currently insufficient to determine the role of this variant in disease. Therefore, it has been classified as a Variant of Uncertain Significance.

Blueprint Genetics
Classification: Uncertain significance. Last evaluated: 2024-05-09. Review status: criteria provided, single submitter. Criteria: ACMG Guidelines, 2015. Collection method: clinical testing. Allele origin: germline.

GeneDx
Classification: Uncertain significance. Last evaluated: 2018-09-10. Review status: criteria provided, single submitter. Criteria: GeneDx Variant Classification Process June 2021. Collection method: clinical testing. Allele origin: germline. Affected: yes.
Comment: In silico analysis, which includes protein predictors and evolutionary conservation, supports a deleterious effect; Has not been previously published as pathogenic or benign to our knowledge; This variant is associated with the following publications: (PMID: 31589614)

Illumina Laboratory Services, Illumina
Classification: Uncertain significance for Asphyxiating thoracic dystrophy 2. Last evaluated: 2018-01-13. Review status: criteria provided, single submitter. Criteria: ICSL Variant Classification Criteria 13 December 2019. Collection method: clinical testing. Allele origin: germline.

Breakthrough Genomics
Classification: Uncertain significance. Review status: criteria provided, single submitter. Criteria: ACMG Guidelines, 2015. Collection method: not provided. Allele origin: germline. Inheritance: Autosomal recessive inheritance. Affected: yes.

Mendelics
Classification: Likely pathogenic for Asphyxiating thoracic dystrophy 2. Last evaluated: 2013-12-13. Review status: no assertion criteria provided. Collection method: clinical testing. Allele origin: germline. Affected: yes. Not counted in ClinVar's aggregate classification.

Literature cited by the submitters: PubMed 17468754 (cited by Mendelics); PubMed 19610081 (cited by Mendelics).